The following is an entry in ClinVar:

ClinVar aggregate classification (germline): Uncertain significance. Review status: criteria provided, multiple submitters, no conflicts (2 of 4 stars). 2 submissions from 2 submitters: Uncertain significance (2). Last evaluated 2026-04-12.

Conditions:
Hereditary cancer-predisposing syndrome. Also called: Hereditary neoplastic syndrome; Neoplastic Syndromes, Hereditary; Tumor predisposition; Hereditary Cancer Syndrome. Identifiers: Orphanet 140162, MedGen C0027672, MeSH D009386, MONDO:0015356.

Allele frequency attached by ClinVar (database versions not stated): gnomAD exomes below 0.00001; ExAC 0.00001.

Submissions (2):

Ambry Genetics
Classification: Uncertain significance for Hereditary cancer-predisposing syndrome. Last evaluated: 2026-04-12. Review status: criteria provided, single submitter. Criteria: Ambry Variant Classification Scheme 2023. Collection method: clinical testing. Allele origin: germline.
Comment: The p.L1465F variant (also known as c.4393C>T), located in coding exon 34 of the POLE gene, results from a C to T substitution at nucleotide position 4393. The leucine at codon 1465 is replaced by phenylalanine, an amino acid with highly similar properties. This amino acid position is conserved. In addition, this alteration is predicted to be tolerated by in silico analysis. Based on the available evidence, the clinical significance of this variant remains unclear.

Labcorp Genetics (formerly Invitae), Labcorp
Classification: Uncertain significance. Last evaluated: 2025-10-27. Review status: criteria provided, single submitter. Criteria: Invitae Variant Classification Sherloc (09022015). Collection method: clinical testing. Allele origin: germline.
Comment: This sequence change replaces leucine, which is neutral and non-polar, with phenylalanine, which is neutral and non-polar, at codon 1465 of the POLE protein (p.Leu1465Phe). This variant is present in population databases (rs754608358, gnomAD 0.003%). This variant has not been reported in the literature in individuals affected with POLE-related conditions. ClinVar contains an entry for this variant (Variation ID: 2910620). Invitae Evidence Modeling of protein sequence and biophysical properties (such as structural, functional, and spatial information, amino acid conservation, physicochemical variation, residue mobility, and thermodynamic stability) indicates that this missense variant is not expected to disrupt POLE protein function with a negative predictive value of 80%. In summary, the available evidence is currently insufficient to determine the role of this variant in disease. Therefore, it has been classified as a Variant of Uncertain Significance.

NM_006231.4(POLE):c.4393C>T (p.Leu1465Phe)

Gene: POLE (DNA polymerase epsilon, catalytic subunit; minus strand). Cytogenetic location: 12q24.33.
Variant type: single nucleotide variant.
Coding change: c.4393C>T on transcript NM_006231.4 (MANE Select); coding-DNA position 4393, C replaced by T.
Protein change: p.Leu1465Phe; replaces leucine 1465 with phenylalanine.
Molecular consequence: missense variant.
Genome position (GRCh38, 1-based): chr12:132,643,458, G>A on the plus strand (C>T on the coding strand, the complement: POLE is on the minus strand). VCF-style: chr12-132643458-G-A. GRCh37 (hg19) VCF-style: chr12-133220044-G-A.
Other names: c.4393C>T (NM_006231.2); short protein forms L1465F.
Identifiers: ClinVar variation 2910620 (VCV002910620.3), dbSNP rs754608358, ClinGen allele CA6892866.
Genomic context (GRCh38, chr12:132,643,458, plus strand): 5'-AGGCCATACCTGGTTCCAGGTAGCTGAACTGGGCCAGAGAGCGCATCTCCAGGTGCTCAA[G>A]AGCAAAGGTCTCTGCTTCCCAGCCTGAAAGGTGCCTCACCAGCTGTTTATTGACCACACA-3'
Protein context (NP_006222.2, residues 1455-1475): LSGWEAETFA[Leu1465Phe]EHLEMRSLAQ